The following is an entry in ClinVar:

NM_004064.5(CDKN1B):c.2T>C (p.Met1Thr)

Gene: CDKN1B (cyclin dependent kinase inhibitor 1B; plus strand). Cytogenetic location: 12p13.1.
Variant type: single nucleotide variant.
Coding change: c.2T>C on transcript NM_004064.5 (MANE Select); coding-DNA position 2, T replaced by C.
Protein change: p.Met1Thr; changes the start codon (methionine 1).
Molecular consequence: missense variant, initiator codon variant.
Genome position (GRCh38, 1-based): chr12:12,717,841, T>C. VCF-style: chr12-12717841-T-C. GRCh37 (hg19) VCF-style: chr12-12870775-T-C.
Other names: short protein forms M1T.
Identifiers: ClinVar variation 2624683 (VCV002624683.2), dbSNP rs1946485229, ClinGen allele CA383967816.
Genomic context (GRCh38, chr12:12,717,841, plus strand): 5'-TGTTCGGTTTTGTTTTTTTGAGAGTGCGAGAGAGGCGGTCGTGCAGACCCGGGAGAAAGA[T>C]GTCAAACGTGCGAGTGTCTAACGGGAGCCCTAGCCTGGAGCGGATGGACGCCAGGCAGGC-3'
Protein context (NP_004055.1, residues 1-11): [Met1Thr]SNVRVSNGSP

ClinVar aggregate classification (germline): Uncertain significance (1 of 4 stars; one submission).

Conditions:
Hereditary cancer-predisposing syndrome. Also called: Tumor predisposition; Hereditary Cancer Syndrome; Hereditary neoplastic syndrome; Neoplastic Syndromes, Hereditary. Identifiers: Orphanet 140162, MedGen C0027672, MeSH D009386, MONDO:0015356.

Submission:

Ambry Genetics
Classification: Uncertain significance for Hereditary cancer-predisposing syndrome. Last evaluated: 2023-09-15. Review status: criteria provided, single submitter. Criteria: Ambry Variant Classification Scheme 2023. Collection method: clinical testing. Allele origin: germline.
Comment: The p.M1? variant (also known as c.2T>C) is located in coding exon 1 of the CDKN1B gene and results from a T to C substitution at nucleotide position 2. This alters the methionine residue at the initiation codon (ATG). Variations that modify the initiation codon (ATG) are expected to result in either loss of translation initiation, N-terminal truncation, or cause a shift in the mRNA reading frame; however, there is an in-frame methionine 15 amino acids from the initiation site, which may result in N-terminal truncation of unknown functional significance. Since supporting evidence is limited at this time, the clinical significance of this alteration remains unclear.